The following is an entry in ClinVar:

NM_000426.4(LAMA2):c.6927C>T (p.Asp2309=)

Gene: LAMA2 (laminin subunit alpha 2; plus strand). Cytogenetic location: 6q22.33.
Variant type: single nucleotide variant.
Coding change: c.6927C>T on transcript NM_000426.4 (MANE Select); coding-DNA position 6927, C replaced by T.
Protein change: p.Asp2309=; no amino-acid change (aspartic acid 2309 retained).
Molecular consequence: synonymous variant.
Genome position (GRCh38, 1-based): chr6:129,460,259, C>T. VCF-style: chr6-129460259-C-T. GRCh37 (hg19) VCF-style: chr6-129781404-C-T.
Other names: c.6927C>T, p.Asp2309= (NM_001079823.2).
Identifiers: ClinVar variation 703512 (VCV000703512.15), dbSNP rs575850136, ClinGen allele CA3994397.

ClinVar aggregate classification (germline): Likely benign. Review status: criteria provided, single submitter (1 of 4 stars). 2 submissions from 2 submitters: Likely benign (1). 1 of the submissions does not count toward it. Last evaluated 2026-01-03.

Conditions:
LAMA2-related disorder. Also called: LAMA2-related condition; LAMA2-related disorders.
LAMA2-related muscular dystrophy (LAMA2-RD). Also called: Laminin alpha 2-related dystrophy. Identifiers: MedGen C5679788, MONDO:0100228.

Allele frequency attached by ClinVar (database versions not stated): TOPMed below 0.00001; gnomAD 0.00001 and 0.00004; gnomAD exomes 0.00008 and 0.00015; 1000 Genomes Project 30x 0.00016; ExAC 0.00017; 1000 Genomes Project 0.00020.
gnomAD v4.1: 118 of 1,611,966 alleles (0.0073%); highest among the groups gnomAD compares: South Asian, 0.12%; 1 homozygote.

Submissions (2):

Labcorp Genetics (formerly Invitae), Labcorp
Classification: Likely benign for LAMA2-related muscular dystrophy. Last evaluated: 2026-01-03. Review status: criteria provided, single submitter. Criteria: Invitae Variant Classification Sherloc (09022015). Collection method: clinical testing. Allele origin: germline.

PreventionGenetics, part of Exact Sciences
Classification: Likely benign for LAMA2-related condition. Last evaluated: 2019-08-09. Review status: no assertion criteria provided. Collection method: clinical testing. Allele origin: germline. Not counted in ClinVar's aggregate classification.
Comment: This variant is classified as likely benign based on ACMG/AMP sequence variant interpretation guidelines (Richards et al. 2015 PMID: 25741868, with internal and published modifications).